The following is an entry in ClinVar:

ClinVar aggregate classification (germline): Likely pathogenic (0 of 4 stars; one submission).

Conditions:
SETD2-related disorder.

Submission:

PreventionGenetics, part of Exact Sciences
Classification: Likely pathogenic for SETD2-related condition. Last evaluated: 2023-12-14. Review status: no assertion criteria provided. Collection method: clinical testing. Allele origin: germline.
Comment: The SETD2 c.6720T>G variant is predicted to result in premature protein termination (p.Tyr2240*). To our knowledge, this variant has not been reported in the literature or in a large population database, indicating this variant is rare. Nonsense variants in SETD2 are expected to be pathogenic. This variant is interpreted as likely pathogenic.

NM_014159.7(SETD2):c.6720T>G (p.Tyr2240Ter)

Gene: SETD2 (SET domain containing 2, histone lysine methyltransferase; minus strand). Cytogenetic location: 3p21.31.
Variant type: single nucleotide variant.
Coding change: c.6720T>G on transcript NM_014159.7 (MANE Select); coding-DNA position 6720, T replaced by G.
Protein change: p.Tyr2240Ter; replaces tyrosine 2240 with a stop codon.
Molecular consequence: nonsense. On other transcripts: non-coding transcript variant (1).
Genome position (GRCh38, 1-based): chr3:47,057,064, A>C on the plus strand (T>G on the coding strand, the complement: SETD2 is on the minus strand). VCF-style: chr3-47057064-A-C. GRCh37 (hg19) VCF-style: chr3-47098554-A-C.
Other names: c.6588T>G, p.Tyr2196Ter (NM_001349370.3); short protein forms Y2196*, Y2240*.
Identifiers: ClinVar variation 3037063 (VCV003037063.2), dbSNP rs934035500, ClinGen allele CA352520107.
Genomic context (GRCh38, chr3:47,057,064, plus strand): 5'-CGGCACTGGCAAGACAGCAACGCTGGAGTCTTGGTGTACTACACCATCACTCTGGGCCAC[A>C]TACTGGGAACTGGAAACTTCCACAGGAGCTGCCACATGTGGCACCACTGGTACTGGTGGA-3'